The following is an entry in ClinVar:

ClinVar aggregate classification (germline): Uncertain significance (1 of 4 stars; one submission).

Conditions:
Joubert syndrome 18 (JBTS18). Identifiers: Orphanet 2754, MedGen C3553758, MONDO:0013896, OMIM 614815.
Orofacial-digital syndrome IV (OFD4). Also called: BARAITSER-BURN SYNDROME; MOHR-MAJEWSKI SYNDROME; OFD SYNDROME WITH TIBIAL DEFECTS; OFD SYNDROME, BARAITSER-BURN TYPE; OFDS IV; ORAL-FACIAL-DIGITAL SYNDROME, TYPE IV. Identifiers: Orphanet 2753, MedGen C0406727, MONDO:0009794, OMIM 258860.

Allele frequency attached by ClinVar (database versions not stated): gnomAD exomes 0.00003 and 0.00008; TOPMed 0.00003; ExAC 0.00005.
gnomAD v4.1: 47 of 1,614,098 alleles (0.0029%); highest among the groups gnomAD compares: Non-Finnish European, 0.00034%; no homozygotes.

Submission:

Labcorp Genetics (formerly Invitae), Labcorp
Classification: Uncertain significance for Joubert syndrome 18; Orofacial-digital syndrome IV. Last evaluated: 2022-06-23. Review status: criteria provided, single submitter. Criteria: Invitae Variant Classification Sherloc (09022015). Collection method: clinical testing. Allele origin: germline.
Comment: This sequence change replaces methionine, which is neutral and non-polar, with isoleucine, which is neutral and non-polar, at codon 295 of the TCTN3 protein (p.Met295Ile). This variant is present in population databases (rs201493612, gnomAD 0.2%). This variant has not been reported in the literature in individuals affected with TCTN3-related conditions. Algorithms developed to predict the effect of missense changes on protein structure and function output the following: SIFT: "Tolerated"; PolyPhen-2: "Benign"; Align-GVGD: "Class C0". The isoleucine amino acid residue is found in multiple mammalian species, which suggests that this missense change does not adversely affect protein function. In summary, the available evidence is currently insufficient to determine the role of this variant in disease. Therefore, it has been classified as a Variant of Uncertain Significance.

NM_015631.6(TCTN3):c.885G>A (p.Met295Ile)

Gene: TCTN3 (tectonic family member 3; minus strand). Cytogenetic location: 10q24.1.
Variant type: single nucleotide variant.
Coding change: c.885G>A on transcript NM_015631.6 (MANE Select); coding-DNA position 885, G replaced by A.
Protein change: p.Met295Ile; replaces methionine 295 with isoleucine.
Molecular consequence: missense variant.
Genome position (GRCh38, 1-based): chr10:95,686,498, C>T on the plus strand (G>A on the coding strand, the complement: TCTN3 is on the minus strand). VCF-style: chr10-95686498-C-T. GRCh37 (hg19) VCF-style: chr10-97446255-C-T.
Other names: c.648G>A, p.Met216Ile (NM_001143973.2); short protein forms M295I, M216I.
Identifiers: ClinVar variation 1417648 (VCV001417648.5), dbSNP rs201493612, ClinGen allele CA5621030.
Genomic context (GRCh38, chr10:95,686,498, plus strand): 5'-CAGATGCAGAGGAGCCAAATATTCTTTTTCTTTTTTCCTGGTACAACAGCATCATACCTC[C>T]ATATTCTGTGGATCAGTCATGCTTCTTGGAACCTAGGAGAACAGCAGGGACATGAATGTG-3'
Protein context (NP_056446.4, residues 285-305): VPRSMTDPQN[Met295Ile]EFQVPVILTS